The following is an entry in ClinVar:

NM_005045.4(RELN):c.1852C>G (p.Leu618Val)

Gene: RELN (reelin; minus strand). Cytogenetic location: 7q22.1.
Variant type: single nucleotide variant.
Coding change: c.1852C>G on transcript NM_005045.4 (MANE Select); coding-DNA position 1852, C replaced by G.
Protein change: p.Leu618Val; replaces leucine 618 with valine.
Molecular consequence: missense variant.
Genome position (GRCh38, 1-based): chr7:103,651,701, G>C on the plus strand (C>G on the coding strand, the complement: RELN is on the minus strand). VCF-style: chr7-103651701-G-C. GRCh37 (hg19) VCF-style: chr7-103292148-G-C.
Other names: c.1852C>G, p.Leu618Val (NM_173054.3); short protein forms L618V.
Identifiers: ClinVar variation 1690466 (VCV001690466.2), dbSNP rs1027894483, ClinGen allele CA163940183.

ClinVar aggregate classification (germline): Uncertain significance (1 of 4 stars; one submission).

Allele frequency attached by ClinVar (database versions not stated): gnomAD exomes below 0.00001; gnomAD 0.00001.

Submission:

Laboratorio de Genetica e Diagnostico Molecular, Hospital Israelita Albert Einstein
Classification: Uncertain significance. Last evaluated: 2021-10-13. Review status: criteria provided, single submitter. Criteria: ACMG Guidelines, 2015. Collection method: clinical testing. Allele origin: germline. Affected: yes.
Comment: ACMG classification criteria: PM2, BP4